The following is an entry in ClinVar:

ClinVar aggregate classification (germline): Likely pathogenic (1 of 4 stars; one submission).

Conditions:
Glycogen storage disease, type IV (GSD4). Also called: AMYLOPECTINOSIS; ANDERSEN DISEASE; BRANCHER DEFICIENCY; CIRRHOSIS, FAMILIAL, WITH DEPOSITION OF ABNORMAL GLYCOGEN; GBE1 DEFICIENCY; GLYCOGEN BRANCHING ENZYME DEFICIENCY. Identifiers: Orphanet 367, MedGen C0017923, MONDO:0009292, OMIM 232500.
Glycogen storage disease IV, classic hepatic. Also called: GSD IV, CLASSIC HEPATIC. Identifiers: MedGen C1856301.

Submission:

Labcorp Genetics (formerly Invitae), Labcorp
Classification: Likely pathogenic for Glycogen storage disease, type IV; Glycogen storage disease IV, classic hepatic. Last evaluated: 2023-11-14. Review status: criteria provided, single submitter. Criteria: Invitae Variant Classification Sherloc (09022015). Collection method: clinical testing. Allele origin: germline.
Comment: This sequence change replaces serine, which is neutral and polar, with arginine, which is basic and polar, at codon 261 of the GBE1 protein (p.Ser261Arg). This variant is not present in population databases (gnomAD no frequency). This missense change has been observed in individual(s) with clinical features of glycogen storage disease (PMID: 34906519; Invitae). In at least one individual the data is consistent with being in trans (on the opposite chromosome) from a pathogenic variant. An algorithm developed to predict the effect of missense changes on protein structure and function (PolyPhen-2) suggests that this variant is likely to be disruptive. In summary, the currently available evidence indicates that the variant is pathogenic, but additional data are needed to prove that conclusively. Therefore, this variant has been classified as Likely Pathogenic.

Literature cited by the submitters: PubMed 34906519.

NM_000158.4(GBE1):c.783C>A (p.Ser261Arg)

Gene: GBE1 (1,4-alpha-glucan branching enzyme 1; minus strand). Cytogenetic location: 3p12.2.
Variant type: single nucleotide variant.
Coding change: c.783C>A on transcript NM_000158.4 (MANE Select); coding-DNA position 783, C replaced by A.
Protein change: p.Ser261Arg; replaces serine 261 with arginine.
Molecular consequence: missense variant.
Genome position (GRCh38, 1-based): chr3:81,642,990, G>T on the plus strand (C>A on the coding strand, the complement: GBE1 is on the minus strand). VCF-style: chr3-81642990-G-T. GRCh37 (hg19) VCF-style: chr3-81692141-G-T.
Other names: short protein forms S261R.
Identifiers: ClinVar variation 2945833 (VCV002945833.3), dbSNP rs1559673607, ClinGen allele CA353687586.